The following is an entry in ClinVar:

ClinVar aggregate classification (germline): Pathogenic/Likely pathogenic. Review status: criteria provided, multiple submitters, no conflicts (2 of 4 stars). 2 submissions from 2 submitters: Pathogenic (1); Likely pathogenic (1). Last evaluated 2023-04-09.

Conditions:
Hereditary nonpolyposis colorectal neoplasms. Identifiers: MedGen C0009405, MeSH D003123.
Endometrial carcinoma. Also called: Endometrial carcinoma, somatic. Identifiers: MedGen C0476089, MONDO:0002447, OMIM 608089, HP:0012114.

Submissions (2):

Baylor Genetics
Classification: Likely pathogenic for Endometrial carcinoma. Last evaluated: 2023-04-09. Review status: criteria provided, single submitter. Criteria: ACMG Guidelines, 2015. Collection method: clinical testing. Allele origin: unknown.

Labcorp Genetics (formerly Invitae), Labcorp
Classification: Pathogenic for Hereditary nonpolyposis colorectal neoplasms. Last evaluated: 2018-03-05. Review status: criteria provided, single submitter. Criteria: Invitae Variant Classification Sherloc (09022015). Collection method: clinical testing. Allele origin: germline.
Comment: For these reasons, this variant has been classified as Pathogenic. Loss-of-function variants in MSH6 are known to be pathogenic (PMID: 18269114, 24362816). This variant has not been reported in the literature in individuals with MSH6-related disease. This variant is not present in population databases (ExAC no frequency). This sequence change creates a premature translational stop signal (p.Tyr505*) in the MSH6 gene. It is expected to result in an absent or disrupted protein product.

Literature cited by the submitters: PubMed 18269114 (cited by Labcorp Genetics (formerly Invitae), Labcorp); PubMed 24362816 (cited by Labcorp Genetics (formerly Invitae), Labcorp).

NM_000179.3(MSH6):c.1515T>A (p.Tyr505Ter)

Gene: MSH6 (mutS homolog 6; plus strand). Cytogenetic location: 2p16.3.
Variant type: single nucleotide variant.
Coding change: c.1515T>A on transcript NM_000179.3 (MANE Select); coding-DNA position 1515, T replaced by A.
Protein change: p.Tyr505Ter; replaces tyrosine 505 with a stop codon.
Molecular consequence: nonsense.
Genome position (GRCh38, 1-based): chr2:47,799,498, T>A. VCF-style: chr2-47799498-T-A. GRCh37 (hg19) VCF-style: chr2-48026637-T-A.
Other names: c.1125T>A, p.Tyr375Ter (NM_001281492.2); c.609T>A, p.Tyr203Ter (NM_001281493.2, NM_001281494.2); short protein forms Y505*, Y375*, Y203*.
Identifiers: ClinVar variation 576324 (VCV000576324.8), dbSNP rs878853704, ClinGen allele CA346746323.
Genomic context (GRCh38, chr2:47,799,498, plus strand): 5'-GACTGAGACTCCAGAAATGATGGAGGCACGATGTAGAAAGATGGCACATATATCCAAGTA[T>A]GATAGAGTGGTGAGGAGGGAGATCTGTAGGATCATTACCAAGGGTACACAGACTTACAGT-3'